The following is an entry in ClinVar:

NM_000214.3(JAG1):c.404T>C (p.Leu135Pro)

Gene: JAG1 (jagged canonical Notch ligand 1; minus strand). Cytogenetic location: 20p12.2.
Variant type: single nucleotide variant.
Coding change: c.404T>C on transcript NM_000214.3 (MANE Select); coding-DNA position 404, T replaced by C.
Protein change: p.Leu135Pro; replaces leucine 135 with proline.
Molecular consequence: missense variant.
Genome position (GRCh38, 1-based): chr20:10,663,998, A>G on the plus strand (T>C on the coding strand, the complement: JAG1 is on the minus strand). VCF-style: chr20-10663998-A-G. GRCh37 (hg19) VCF-style: chr20-10644646-A-G.
Other names: short protein forms L135P.
Identifiers: ClinVar variation 3573299 (VCV003573299.2).

Conditions:
Arteriohepatic dysplasia. Also called: Alagille Syndrome. Identifiers: Orphanet 52, MedGen C0085280, MeSH D016738, MONDO:0007318.

Submission:

Gilbert/Spinner Lab, Children's Hospital of Philadelphia
No classification provided (evidence only). Condition: Alagille syndrome. Review status: no classification provided. Collection method: research. Allele origin: not applicable. Functional consequence: functionally_abnormal.
ClinVar note: "not provided" was previously submitted as the classification for the variant. However, the classification appeared to be based only on an observation of functional data so it was converted to no classification on 2025-07-30.